The following is an entry in ClinVar:

ClinVar aggregate classification (germline): Likely benign (1 of 4 stars; one submission).

Allele frequency attached by ClinVar (database versions not stated): TOPMed below 0.00001; gnomAD 0.00001; gnomAD exomes 0.00002.
gnomAD v4.1: 25 of 1,614,006 alleles (0.0015%); highest among the groups gnomAD compares: Non-Finnish European, 0.0021%; no homozygotes.

Submission:

CeGaT Center for Human Genetics Tuebingen
Classification: Likely benign. Last evaluated: 2023-12-01. Review status: criteria provided, single submitter. Criteria: CeGaT Center For Human Genetics Tuebingen Variant Classification Criteria Version 2. Collection method: clinical testing. Allele origin: germline. Affected: yes. Observed: 1 variant allele.
Comment: FAT4: BP4, BP7

NM_001291303.3(FAT4):c.3822C>T (p.Asp1274=)

Gene: FAT4 (FAT atypical cadherin 4; plus strand). Cytogenetic location: 4q28.1.
Variant type: single nucleotide variant.
Coding change: c.3822C>T on transcript NM_001291303.3 (MANE Select); coding-DNA position 3822, C replaced by T.
Protein change: p.Asp1274=; no amino-acid change (aspartic acid 1274 retained).
Molecular consequence: synonymous variant.
Genome position (GRCh38, 1-based): chr4:125,320,233, C>T. VCF-style: chr4-125320233-C-T. GRCh37 (hg19) VCF-style: chr4-126241388-C-T.
Other names: c.3822C>T, p.Asp1274= (NM_001291285.3, NM_024582.6).
Identifiers: ClinVar variation 3026557 (VCV003026557.22), dbSNP rs1730875855, ClinGen allele CA441368064.
Genomic context (GRCh38, chr4:125,320,233, plus strand): 5'-AGAAAGACAGTTTGCTATAGACAGTACCTCTGGTCAGGTAACACTAATTGGCAAATTAGA[C>T]TATGAAGCAACACCTGCCTATTCCCTTGTAATTCAAGCAGTGGATTCAGGGACAATCCCC-3'
Protein context (NP_001278232.1, residues 1264-1284): SGQVTLIGKL[Asp1274=]YEATPAYSLV